The following is an entry in ClinVar:

ClinVar aggregate classification (germline): Uncertain significance (1 of 4 stars; one submission).

Conditions:
Hereditary cancer-predisposing syndrome. Also called: Neoplastic Syndromes, Hereditary; Tumor predisposition; Hereditary neoplastic syndrome; Hereditary Cancer Syndrome. Identifiers: Orphanet 140162, MedGen C0027672, MeSH D009386, MONDO:0015356.

Submission:

Ambry Genetics
Classification: Uncertain significance for Hereditary cancer-predisposing syndrome. Last evaluated: 2025-06-11. Review status: criteria provided, single submitter. Criteria: Ambry Variant Classification Scheme 2023. Collection method: clinical testing. Allele origin: germline.
Comment: The p.Y1252* variant (also known as c.3756C>A), located in coding exon 18 of the MET gene, results from a C to A substitution at nucleotide position 3756. This changes the amino acid from a tyrosine to a stop codon within coding exon 18. This alteration is expected to result in loss of function by premature protein truncation or nonsense-mediated mRNA decay. However, loss of function of MET has not been established as a mechanism of disease. Based on the available evidence, the clinical significance of this alteration remains unclear.

NM_000245.4(MET):c.3702C>A (p.Tyr1234Ter)

Gene: MET (MET proto-oncogene, receptor tyrosine kinase; plus strand). Cytogenetic location: 7q31.2.
Variant type: single nucleotide variant.
Coding change: c.3702C>A on transcript NM_000245.4 (MANE Select); coding-DNA position 3702, C replaced by A.
Protein change: p.Tyr1234Ter; replaces tyrosine 1234 with a stop codon.
Molecular consequence: nonsense.
Genome position (GRCh38, 1-based): chr7:116,783,373, C>A. VCF-style: chr7-116783373-C-A. GRCh37 (hg19) VCF-style: chr7-116423427-C-A.
Other names: c.3756C>A, p.Tyr1252Ter (NM_001127500.3); c.2412C>A, p.Tyr804Ter (NM_001324402.2); short protein forms Y1252*, Y1234*, Y804*.
Identifiers: ClinVar variation 4053894 (VCV004053894.1).
Genomic context (GRCh38, chr7:116,783,373, plus strand): 5'-AAAATTCACAGTCAAGGTTGCTGATTTTGGTCTTGCCAGAGACATGTATGATAAAGAATA[C>A]TATAGTGTACACAACAAAACAGGTGCAAAGCTGCCAGTGAAGTGGATGGCTTTGGAAAGT-3'